The following is an entry in ClinVar:

NM_017849.4(TMEM127):c.551G>C (p.Gly184Ala)

Gene: TMEM127 (transmembrane protein 127; minus strand). Cytogenetic location: 2q11.2.
Variant type: single nucleotide variant.
Coding change: c.551G>C on transcript NM_017849.4 (MANE Select); coding-DNA position 551, G replaced by C.
Protein change: p.Gly184Ala; replaces glycine 184 with alanine.
Molecular consequence: missense variant.
Genome position (GRCh38, 1-based): chr2:96,253,974, C>G on the plus strand (G>C on the coding strand, the complement: TMEM127 is on the minus strand). VCF-style: chr2-96253974-C-G. GRCh37 (hg19) VCF-style: chr2-96919712-C-G.
Other names: c.551G>C, p.Gly184Ala (NM_001193304.3); c.299G>C, p.Gly100Ala (NM_001407282.1, NM_001407283.1); short protein forms G184A, G100A.
Identifiers: ClinVar variation 3457604 (VCV003457604.1).

ClinVar aggregate classification (germline): Uncertain significance (1 of 4 stars; one submission).

Conditions:
Hereditary cancer-predisposing syndrome. Also called: Tumor predisposition; Neoplastic Syndromes, Hereditary; Hereditary neoplastic syndrome; Hereditary Cancer Syndrome. Identifiers: Orphanet 140162, MedGen C0027672, MeSH D009386, MONDO:0015356.

Submission:

Ambry Genetics
Classification: Uncertain significance for Hereditary cancer-predisposing syndrome. Last evaluated: 2024-09-16. Review status: criteria provided, single submitter. Criteria: Ambry Variant Classification Scheme 2023. Collection method: clinical testing. Allele origin: germline.
Comment: The p.G184A variant (also known as c.551G>C), located in coding exon 3 of the TMEM127 gene, results from a G to C substitution at nucleotide position 551. The glycine at codon 184 is replaced by alanine, an amino acid with similar properties. This amino acid position is conserved. In addition, this alteration is predicted to be deleterious by in silico analysis. Based on the available evidence, the clinical significance of this variant remains unclear.